The following is an entry in ClinVar:

ClinVar aggregate classification (germline): Uncertain significance (1 of 4 stars; one submission).

Conditions:
Cardiovascular phenotype. Identifiers: MedGen CN230736.

Allele frequency attached by ClinVar (database versions not stated): ExAC 0.00001; TOPMed 0.00001; gnomAD 0.00003.
gnomAD v4.1: 5 of 1,613,910 alleles (0.00031%); highest among the groups gnomAD compares: African/African-American, 0.0067%; no homozygotes.

Submission:

Ambry Genetics
Classification: Uncertain significance for Cardiovascular phenotype. Last evaluated: 2019-10-18. Review status: criteria provided, single submitter. Criteria: Ambry Variant Classification Scheme 2023. Collection method: clinical testing. Allele origin: germline.
Comment: The p.G1117E variant (also known as c.3350G>A), located in coding exon 19 of the TTN gene, results from a G to A substitution at nucleotide position 3350. The glycine at codon 1117 is replaced by glutamic acid, an amino acid with similar properties. This amino acid position is highly conserved in available vertebrate species. In addition, the in silico prediction for this alteration is inconclusive. Since supporting evidence is limited at this time, the clinical significance of this alteration remains unclear.

NM_001267550.2(TTN):c.3488G>A (p.Gly1163Glu)

Gene: TTN (titin; minus strand). Cytogenetic location: 2q31.2.
Variant type: single nucleotide variant.
Coding change: c.3488G>A on transcript NM_001267550.2 (MANE Select); coding-DNA position 3488, G replaced by A.
Protein change: p.Gly1163Glu; replaces glycine 1163 with glutamic acid.
Molecular consequence: missense variant.
Genome position (GRCh38, 1-based): chr2:178,781,156, C>T on the plus strand (G>A on the coding strand, the complement: TTN is on the minus strand). VCF-style: chr2-178781156-C-T. GRCh37 (hg19) VCF-style: chr2-179645883-C-T.
Other names: c.3488G>A, p.Gly1163Glu (NM_001256850.1, NM_133378.4, NM_133379.5); c.3350G>A, p.Gly1117Glu (NM_003319.4, NM_133432.3, NM_133437.4); short protein forms G1117E, G1163E.
Identifiers: ClinVar variation 1730514 (VCV001730514.2), dbSNP rs765678606, ClinGen allele CA2005545.
Genomic context (GRCh38, chr2:178,781,156, plus strand): 5'-ACATAGAAACTGGAGTTGCACTTACCTTCTTCAAGCAAGGAAGCAGATGCAGAAGTTTCT[C>T]CATGCTTATTGCGAACAACAATAGTGTATTCTCCAGCATCATCAGCAAAAGTCATAGAAA-3'
Protein context (NP_001254479.2, residues 1153-1173): EYTIVVRNKH[Gly1163Glu]ETSASASLLE